The following is an entry in ClinVar:

ClinVar aggregate classification (germline): Uncertain significance (1 of 4 stars; one submission).

Submission:

Labcorp Genetics (formerly Invitae), Labcorp
Classification: Uncertain significance. Last evaluated: 2020-10-25. Review status: criteria provided, single submitter. Criteria: Invitae Variant Classification Sherloc (09022015). Collection method: clinical testing. Allele origin: germline.
Comment: In summary, the available evidence is currently insufficient to determine the role of this variant in disease. Therefore, it has been classified as a Variant of Uncertain Significance. Advanced modeling of protein sequence and biophysical properties (such as structural, functional, and spatial information, amino acid conservation, physicochemical variation, residue mobility, and thermodynamic stability) performed at Invitae indicates that this missense variant is expected to disrupt POC1B protein function. This variant has not been reported in the literature in individuals with POC1B-related conditions. This variant is not present in population databases (ExAC no frequency). This sequence change replaces aspartic acid with glutamic acid at codon 123 of the POC1B protein (p.Asp123Glu). The aspartic acid residue is highly conserved and there is a small physicochemical difference between aspartic acid and glutamic acid.

NM_172240.3(POC1B):c.369C>G (p.Asp123Glu)

Genes: POC1B (POC1 centriolar protein B; minus strand), POC1B-DUSP6 (POC1B-DUSP6 readthrough; minus strand). Cytogenetic location: 12q21.33.
Variant type: single nucleotide variant.
Coding change: c.369C>G on transcript NM_172240.3 (MANE Select); coding-DNA position 369, C replaced by G.
Protein change: p.Asp123Glu; replaces aspartic acid 123 with glutamic acid.
Molecular consequence: missense variant. On other transcripts: non-coding transcript variant (2).
Genome position (GRCh38, 1-based): chr12:89,492,019, G>C on the plus strand (C>G on the coding strand, the complement: POC1B is on the minus strand). VCF-style: chr12-89492019-G-C. GRCh37 (hg19) VCF-style: chr12-89885796-G-C.
Other names: c.243C>G, p.Asp81Glu (NM_001199777.2); short protein forms D123E, D81E.
Identifiers: ClinVar variation 1063854 (VCV001063854.9), dbSNP rs2135738140, ClinGen allele CA385991790.
Genomic context (GRCh38, chr12:89,492,019, plus strand): 5'-ATGTCGATACAAGGAATACAGGAAGCGCTGGCGATACATGCTCCATACTTTTATGGATTT[G>C]TCTTCAGAAGCTGTAGCTAGAAACTGGCCATCAGCTGAAAAGTCTACACTTCGAACTGGA-3'
Protein context (NP_758440.1, residues 113-133): DGQFLATASE[Asp123Glu]KSIKVWSMYR